The following is an entry in ClinVar:

ClinVar aggregate classification (germline): Pathogenic. Review status: criteria provided, multiple submitters, no conflicts (2 of 4 stars). 2 submissions from 2 submitters: Pathogenic (2). Last evaluated 2019-10-29.

Conditions:
Hereditary angioedema type 1 (HAE1). Identifiers: Orphanet 100050, Orphanet 100051, Orphanet 91378, MedGen C2717906, MONDO:0015053, OMIM 106100.

Submissions (2):

CENTOGENE GmbH and LLC - Guiding Precision Medicine
Classification: Pathogenic for Hereditary angioedema type 1. Last evaluated: 2019-10-29. Review status: criteria provided, single submitter. Criteria: ACMG Guidelines, 2015. Collection method: clinical testing. Allele origin: germline. Affected: yes.

Department of Immunology and Histocompatibility, University of Thessaly
Classification: Pathogenic for Hereditary angioedema type 1. Review status: criteria provided, single submitter. Criteria: ACMG Guidelines, 2015. Collection method: clinical testing. Allele origin: germline. Affected: yes. Observed: 3 variant alleles.
Comment: The c.600dup (p.Lys201Glnfs*56) variant has been previously reported in the literature in association with hereditary angioedema (Speletas et al., 2015, Loules et al., 2018). It causes interruption of the reading frame by the formation of a termination codon (*56aa) which results in a truncated protein. It has never been detected in approximately 120000 individuals of the Exome Aggregation Consortium (ExAC), indicating that it is not a common variant. Another INDEL mutation c.600delC has been previously reported in the literature in asociation with the disease (Verpy et al., 1996). Taking all the above into account and according to ACMG Guidelines (Criteria: PVS1, PM2, PM4, PP1, PP4) the variant is considered pathogenic.

Literature cited by the submitters: PubMed 29753808 (cited by Department of Immunology and Histocompatibility, University of Thessaly).

NM_000062.3(SERPING1):c.600dup (p.Lys201fs)

Gene: SERPING1 (serpin family G member 1; plus strand). Cytogenetic location: 11q12.1.
Variant type: Duplication.
Coding change: c.600dup on transcript NM_000062.3 (MANE Select); coding-DNA position 600, one base duplicated (C; older notation c.600dupC).
Protein change: p.Lys201fs; shifts the reading frame from lysine 201.
Molecular consequence: frameshift variant.
Genome position (GRCh38, 1-based): chr11:57,602,084, C duplicated; the last of 4 consecutive C bases (chr11:57,602,081-57,602,084); duplicating any one gives the same sequence. VCF-style (leftmost placement, unchanged base first): chr11-57602080-A-AC. GRCh37 (hg19) VCF-style: chr11-57369553-A-AC.
Other names: c.600dup, p.Lys201fs (NM_001032295.2); short protein forms K201fs.
Identifiers: ClinVar variation 690350 (VCV000690350.3), dbSNP rs1590823884, ClinGen allele CA915948104.